The following is an entry in ClinVar:

NM_005518.4(HMGCS2):c.1502G>C (p.Arg501Pro)

Gene: HMGCS2 (3-hydroxy-3-methylglutaryl-CoA synthase 2; minus strand). Cytogenetic location: 1p12.
Variant type: single nucleotide variant.
Coding change: c.1502G>C on transcript NM_005518.4 (MANE Select); coding-DNA position 1502, G replaced by C.
Protein change: p.Arg501Pro; replaces arginine 501 with proline.
Molecular consequence: missense variant.
Genome position (GRCh38, 1-based): chr1:119,750,827, C>G on the plus strand (G>C on the coding strand, the complement: HMGCS2 is on the minus strand). VCF-style: chr1-119750827-C-G. GRCh37 (hg19) VCF-style: chr1-120293450-C-G.
Other names: c.1376G>C, p.Arg459Pro (NM_001166107.1); short protein forms R459P, R501P.
Identifiers: ClinVar variation 452101 (VCV000452101.20), dbSNP rs372079931, ClinGen allele CA30269195.
Genomic context (GRCh38, chr1:119,750,827, plus strand): 5'-ATGCCACCAACTCTGCAAACTCTCACTCACCACCTTTAGACGGGACGCCGGGCATACTTT[C>G]GGCGATGCTGCTCGTCCACTCGCTCCAGGTACCAAGTACCTGGGAAAAGGCTGTTTGTGT-3'
Protein context (NP_005509.1, residues 491-508): YLERVDEQHR[Arg501Pro]KYARRPV

ClinVar aggregate classification (germline): Pathogenic/Likely pathogenic. Review status: criteria provided, multiple submitters, no conflicts (2 of 4 stars). 7 submissions from 7 submitters: Pathogenic (2); Likely pathogenic (4). 1 of the submissions does not count toward it. Last evaluated 2026-01-12.

Conditions:
3-hydroxy-3-methylglutaryl-CoA synthase deficiency (HMGCS2D). Also called: HMGCS2 DEFICIENCY; MITOCHONDRIAL HMG-CoA SYNTHASE DEFICIENCY; HMG-CoA synthase-2 deficiency. Identifiers: Orphanet 35701, MedGen C2751532, MONDO:0011614, OMIM 605911.

gnomAD v4.1: 9 of 1,613,846 alleles (0.00056%); highest among the groups gnomAD compares: East Asian, 0.0045%; no homozygotes.

Submissions (7):

Labcorp Genetics (formerly Invitae), Labcorp
Classification: Pathogenic for 3-hydroxy-3-methylglutaryl-CoA synthase deficiency. Last evaluated: 2026-01-12. Review status: criteria provided, single submitter. Criteria: Invitae Variant Classification Sherloc (09022015). Collection method: clinical testing. Allele origin: germline.
Comment: This sequence change replaces arginine, which is basic and polar, with proline, which is neutral and non-polar, at codon 501 of the HMGCS2 protein (p.Arg501Pro). This variant is present in population databases (rs372079931, gnomAD 0.01%). This missense change has been observed in individual(s) with HMG-CoA synthase deficiency (PMID: 33045405; internal data). In at least one individual the data is consistent with being in trans (on the opposite chromosome) from a pathogenic variant. ClinVar contains an entry for this variant (Variation ID: 452101). Invitae Evidence Modeling of protein sequence and biophysical properties (such as structural, functional, and spatial information, amino acid conservation, physicochemical variation, residue mobility, and thermodynamic stability) indicates that this missense variant is expected to disrupt HMGCS2 protein function with a positive predictive value of 80%. Experimental studies have shown that this missense change affects HMGCS2 function (PMID: 31910233). This variant disrupts the p.Arg501 amino acid residue in HMGCS2. Other variant(s) that disrupt this residue have been observed in individuals with HMGCS2-related conditions (PMID: 30477625), which suggests that this may be a clinically significant amino acid residue. For these reasons, this variant has been classified as Pathogenic.

Variantyx, Inc.
Classification: Likely pathogenic for 3-hydroxy-3-methylglutaryl-CoA synthase deficiency. Last evaluated: 2025-09-25. Review status: criteria provided, single submitter. Criteria: Variantyx Assertion Criteria 2022. Collection method: clinical testing. Allele origin: germline. Inheritance: Autosomal recessive inheritance.
Comment: This is a nonsynonymous variant in the HMGCS2 gene (OMIM: 600234). Pathogenic variants in this gene have been associated with autosomal recessive HMG-CoA synthase-2 deficiency. This variant has been reported in the homozygous or compound heterozygous state in at least 3 unrelated, affected individuals (PMID: 30477625, 33045405) (PM3). Functional studies have shown that this variant alters HMGCS2 protein function (PMID: 31910233) (PS3_Moderate), and multiple computational algorithms predict a deleterious effect for this substitution (PP3). This variant has a 0.0149% maximum allele frequency in non-founder control populations (PM2_Supporting). Based on the current evidence, this variant is classified as likely pathogenic for autosomal recessive HMG-CoA synthase-2 deficiency.

GeneDx
Classification: Pathogenic. Last evaluated: 2024-11-13. Review status: criteria provided, single submitter. Criteria: GeneDx Variant Classification Process June 2021. Collection method: clinical testing. Allele origin: germline. Affected: yes.
Comment: Published functional studies found this variant is associated with significantly reduced enzyme activity (PMID: 31910233); Not observed at significant frequency in large population cohorts (gnomAD); In silico analysis supports that this missense variant has a deleterious effect on protein structure/function; Missense variants in this gene are a common cause of disease and they are underrepresented in the general population; This variant is associated with the following publications: (PMID: 34963118, 33045405, 38469099, 31910233, 30477625, 35308163)

Women's Health and Genetics/Laboratory Corporation of America, LabCorp
Classification: Likely pathogenic for 3-hydroxy-3-methylglutaryl-CoA synthase deficiency. Last evaluated: 2024-09-18. Review status: criteria provided, single submitter. Criteria: LabCorp Variant Classification Summary - May 2015. Collection method: clinical testing. Allele origin: germline.
Comment: Variant summary: HMGCS2 c.1502G>C (p.Arg501Pro) results in a non-conservative amino acid change located in the Hydroxymethylglutaryl-coenzyme A synthase, C-terminal domain (IPR013746) of the encoded protein sequence. Five of five in-silico tools predict a damaging effect of the variant on protein function. The variant allele was found at a frequency of 1.2e-05 in 251332 control chromosomes. c.1502G>C has been reported in the literature in compound heterozygous individuals affected with 3-hydroxy-3-methylglutaryl-CoA synthase deficiency (e.g. Rojnueangnit_2020, Williams_2024). These data indicate that the variant may be associated with disease. At least one publication reports experimental evidence evaluating an impact on protein function. The most pronounced variant effect results in absent 3-hydroxy-3-methylglutaryl CoA synthase activity in vitro (Bagheri-Fam_2020). The following publications have been ascertained in the context of this evaluation (PMID: 31910233, 33045405, 38469099). ClinVar contains an entry for this variant (Variation ID: 452101). Based on the evidence outlined above, the variant was classified as likely pathogenic.

3billion
Classification: Likely pathogenic for 3-hydroxy-3-methylglutaryl-CoA synthase deficiency. Last evaluated: 2023-02-23. Review status: criteria provided, single submitter. Criteria: ACMG Guidelines, 2015. Collection method: clinical testing. Allele origin: unknown. Affected: yes.
Comment: The variant is observed at an extremely low frequency in the gnomAD v2.1.1 dataset (total allele frequency: 0.001%). In silico tool predictions suggest damaging effect of the variant on gene or gene product (REVEL: 0.74; 3Cnet: 0.94). Same nucleotide change resulting in same amino acid change has been previously reported to be associated with HMGCS2 related disorder (PMID: 33045405). The variant has been reported to be in trans with a pathogenic variant as either compound heterozygous or homozygous in at least 2 similarly affected unrelated individuals (PMID: 31910233, 33045405). A different missense change at the same codon (p.Arg501Gln) has been reported to be associated with HMGCS2 related disorder (PMID: 30477625). Therefore, this variant is classified as Likely pathogenic according to the recommendation of ACMG/AMP guideline.

Center of Excellence in Precision Medicine and Digital Health (CEPMDH), Faculty of Dentistry, Chulalongkorn University
Classification: Likely pathogenic for 3-hydroxy-3-methylglutaryl-CoA synthase deficiency. Last evaluated: 2020-03-15. Review status: criteria provided, single submitter. Criteria: ACMG Guidelines, 2015. Collection method: research. Allele origin: maternal. Affected: yes. Observed: 1 variant allele, 1 compound heterozygote.

OMIM
Classification: Pathogenic for MITOCHONDRIAL HMG-CoA SYNTHASE DEFICIENCY. Last evaluated: 2021-07-27. Review status: no assertion criteria provided. Collection method: literature only. Allele origin: germline. Not counted in ClinVar's aggregate classification.

Literature cited by the submitters: PubMed 33045405 (cited by 5 submitters); PubMed 31910233 (cited by 5 submitters); PubMed 30477625 (cited by 3 submitters); PubMed 38469099 (cited by Women's Health and Genetics/Laboratory Corporation of America, LabCorp).